The following is an entry in ClinVar:

ClinVar aggregate classification (germline): Uncertain significance. Review status: criteria provided, multiple submitters, no conflicts (2 of 4 stars). 3 submissions from 3 submitters: Uncertain significance (3). Last evaluated 2026-01-13.

Conditions:
Inborn genetic diseases. Identifiers: MedGen C0950123, MeSH D030342.

gnomAD v4.1: 15 of 1,613,050 alleles (0.00093%); highest among the groups gnomAD compares: African/African-American, 0.0013%; no homozygotes.

Submissions (3):

Labcorp Genetics (formerly Invitae), Labcorp
Classification: Uncertain significance. Last evaluated: 2026-01-13. Review status: criteria provided, single submitter. Criteria: Invitae Variant Classification Sherloc (09022015). Collection method: clinical testing. Allele origin: germline.
Comment: This sequence change replaces arginine, which is basic and polar, with leucine, which is neutral and non-polar, at codon 22 of the SAG protein (p.Arg22Leu). This variant is present in population databases (no rsID available, gnomAD 0.004%). This variant has not been reported in the literature in individuals affected with SAG-related conditions. Invitae Evidence Modeling of protein sequence and biophysical properties (such as structural, functional, and spatial information, amino acid conservation, physicochemical variation, residue mobility, and thermodynamic stability) indicates that this missense variant is not expected to disrupt SAG protein function with a negative predictive value of 80%. In summary, the available evidence is currently insufficient to determine the role of this variant in disease. Therefore, it has been classified as a Variant of Uncertain Significance.

Ambry Genetics
Classification: Uncertain significance for Inborn genetic diseases. Last evaluated: 2025-10-07. Review status: criteria provided, single submitter. Criteria: Ambry Variant Classification Scheme 2023. Collection method: clinical testing. Allele origin: germline.

Blueprint Genetics
Classification: Uncertain significance. Last evaluated: 2022-05-24. Review status: criteria provided, single submitter. Criteria: ACMG Guidelines, 2015. Collection method: clinical testing. Allele origin: germline.

NM_000541.5(SAG):c.65G>T (p.Arg22Leu)

Gene: SAG (S-antigen visual arrestin; plus strand). Cytogenetic location: 2q37.1.
Variant type: single nucleotide variant.
Coding change: c.65G>T on transcript NM_000541.5 (MANE Select); coding-DNA position 65, G replaced by T.
Protein change: p.Arg22Leu; replaces arginine 22 with leucine.
Molecular consequence: missense variant.
Genome position (GRCh38, 1-based): chr2:233,309,254, G>T. VCF-style: chr2-233309254-G-T. GRCh37 (hg19) VCF-style: chr2-234217900-G-T.
Other names: short protein forms R22L.
Identifiers: ClinVar variation 4629770 (VCV004629770.3).
Genomic context (GRCh38, chr2:233,309,254, plus strand): 5'-CAGCCAGCGGGAAGACCAGCAAGTCCGAACCGAACCATGTTATCTTCAAGAAGATCTCCC[G>T]GGACAAATCGGTGAGTGGTGCACAAGTGAGTGATTTGATAGAAATTATTGTTTAAAAAAA-3'
Protein context (NP_000532.2, residues 12-32): PNHVIFKKIS[Arg22Leu]DKSVTIYLGN